The following is an entry in ClinVar:

ClinVar aggregate classification (germline): Uncertain significance (1 of 4 stars; one submission).

Conditions:
Multiple endocrine neoplasia, type 2 (MEN2). Identifiers: Orphanet 653, MedGen C4048306, MONDO:0019003. Disease mechanism: gain of function.

Submission:

Labcorp Genetics (formerly Invitae), Labcorp
Classification: Uncertain significance for Multiple endocrine neoplasia, type 2. Last evaluated: 2020-10-03. Review status: criteria provided, single submitter. Criteria: Invitae Variant Classification Sherloc (09022015). Collection method: clinical testing. Allele origin: germline.
Comment: This sequence change replaces glutamic acid with lysine at codon 1036 of the RET protein (p.Glu1036Lys). The glutamic acid residue is highly conserved and there is a small physicochemical difference between glutamic acid and lysine. This variant is not present in population databases (ExAC no frequency). This variant has not been reported in the literature in individuals with RET-related conditions. Algorithms developed to predict the effect of missense changes on protein structure and function are either unavailable or do not agree on the potential impact of this missense change (SIFT: "Deleterious"; PolyPhen-2: "Possibly Damaging"; Align-GVGD: "Class C0"). In summary, the available evidence is currently insufficient to determine the role of this variant in disease. Therefore, it has been classified as a Variant of Uncertain Significance.

NM_020975.6(RET):c.3106G>A (p.Glu1036Lys)

Gene: RET (ret proto-oncogene; plus strand). Cytogenetic location: 10q11.21.
Variant type: single nucleotide variant.
Coding change: c.3106G>A on transcript NM_020975.6 (MANE Select); coding-DNA position 3106, G replaced by A.
Protein change: p.Glu1036Lys; replaces glutamic acid 1036 with lysine.
Molecular consequence: missense variant.
Genome position (GRCh38, 1-based): chr10:43,126,641, G>A. VCF-style: chr10-43126641-G-A. GRCh37 (hg19) VCF-style: chr10-43622089-G-A.
Other names: c.3106G>A, p.Glu1036Lys (NM_000323.2, NM_001406743.1, NM_001406744.1 and 4 more transcripts); c.2344G>A, p.Glu782Lys (NM_001355216.2); c.2977G>A, p.Glu993Lys (NM_001406761.1, NM_001406762.1, NM_001406764.1); c.2971G>A, p.Glu991Lys (NM_001406763.1, NM_001406765.1); c.2818G>A, p.Glu940Lys (NM_001406766.1, NM_001406767.1, NM_001406770.1); c.2842G>A, p.Glu948Lys (NM_001406768.1); c.2710G>A, p.Glu904Lys (NM_001406769.1, NM_001406772.1); c.2668G>A, p.Glu890Lys (NM_001406771.1, NM_001406773.1); and 10 more; short protein forms E1036K, E782K, E553K, E641K, E697K, E706K, E861K, E940K.
Identifiers: ClinVar variation 1041508 (VCV001041508.9), dbSNP rs1838336457, ClinGen allele CA376558404.